The following is an entry in ClinVar:

ClinVar aggregate classification (germline): Likely benign. Review status: criteria provided, multiple submitters, no conflicts (2 of 4 stars). 3 submissions from 3 submitters: Likely benign (2). 1 of the submissions does not count toward it. Last evaluated 2025-01-08.

Conditions:
Inborn genetic diseases. Identifiers: MedGen C0950123, MeSH D030342.
Fanconi anemia (FA). Also called: Fanconi's anemia. Identifiers: Orphanet 84, MedGen C0015625, MeSH D005199, MONDO:0019391.
FANCM-related disorder. Also called: FANCM-related condition.

Allele frequency attached by ClinVar (database versions not stated): gnomAD 0.00001; TOPMed 0.00001; gnomAD exomes 0.00002; ExAC 0.00003.
gnomAD v4.1: 5 of 1,614,054 alleles (0.00031%); highest among the groups gnomAD compares: Admixed American, 0.0017%; no homozygotes.

Submissions (3):

Ambry Genetics
Classification: Likely benign for Inborn genetic diseases. Last evaluated: 2025-01-08. Review status: criteria provided, single submitter. Criteria: Ambry Variant Classification Scheme 2023. Collection method: clinical testing. Allele origin: germline.

Labcorp Genetics (formerly Invitae), Labcorp
Classification: Likely benign for Fanconi anemia. Last evaluated: 2022-11-24. Review status: criteria provided, single submitter. Criteria: Invitae Variant Classification Sherloc (09022015). Collection method: clinical testing. Allele origin: germline.

PreventionGenetics, part of Exact Sciences
Classification: Likely benign for FANCM-related condition. Last evaluated: 2019-05-08. Review status: no assertion criteria provided. Collection method: clinical testing. Allele origin: germline. Not counted in ClinVar's aggregate classification.
Comment: This variant is classified as likely benign based on ACMG/AMP sequence variant interpretation guidelines (Richards et al. 2015 PMID: 25741868, with internal and published modifications).

NM_020937.4(FANCM):c.111C>T (p.Ser37=)

Gene: FANCM (FA complementation group M; plus strand). Cytogenetic location: 14q21.2.
Variant type: single nucleotide variant.
Coding change: c.111C>T on transcript NM_020937.4 (MANE Select); coding-DNA position 111, C replaced by T.
Protein change: p.Ser37=; no amino-acid change (serine 37 retained).
Molecular consequence: synonymous variant.
Genome position (GRCh38, 1-based): chr14:45,136,142, C>T. VCF-style: chr14-45136142-C-T. GRCh37 (hg19) VCF-style: chr14-45605345-C-T.
Other names: c.111C>T, p.Ser37= (NM_001308133.2, NM_001308134.2); c.111C>T (NM_020937.2, NM_020937.3).
Identifiers: ClinVar variation 1528799 (VCV001528799.11), dbSNP rs763486658, ClinGen allele CA7168698.